The following is an entry in ClinVar:

ClinVar aggregate classification (germline): Uncertain significance (1 of 4 stars; one submission).

Submission:

Labcorp Genetics (formerly Invitae), Labcorp
Classification: Uncertain significance. Last evaluated: 2024-05-08. Review status: criteria provided, single submitter. Criteria: Invitae Variant Classification Sherloc (09022015). Collection method: clinical testing. Allele origin: germline.
Comment: This sequence change replaces isoleucine, which is neutral and non-polar, with methionine, which is neutral and non-polar, at codon 807 of the NEXMIF protein (p.Ile807Met). This variant is not present in population databases (gnomAD no frequency). This variant has not been reported in the literature in individuals affected with NEXMIF-related conditions. An algorithm developed to predict the effect of missense changes on protein structure and function (PolyPhen-2) suggests that this variant is likely to be disruptive. In summary, the available evidence is currently insufficient to determine the role of this variant in disease. Therefore, it has been classified as a Variant of Uncertain Significance.

NM_001008537.3(NEXMIF):c.2421A>G (p.Ile807Met)

Gene: NEXMIF (neurite extension and migration factor; minus strand). Cytogenetic location: Xq13.3.
Variant type: single nucleotide variant.
Coding change: c.2421A>G on transcript NM_001008537.3 (MANE Select); coding-DNA position 2421, A replaced by G.
Protein change: p.Ile807Met; replaces isoleucine 807 with methionine.
Molecular consequence: missense variant.
Genome position (GRCh38, 1-based): chrX:74,742,136, T>C on the plus strand (A>G on the coding strand, the complement: NEXMIF is on the minus strand). VCF-style: chrX-74742136-T-C. GRCh37 (hg19) VCF-style: chrX-73961971-T-C.
Other names: short protein forms I807M.
Identifiers: ClinVar variation 3702174 (VCV003702174.2).